The following is an entry in ClinVar:

ClinVar aggregate classification (germline): Uncertain significance. Review status: criteria provided, multiple submitters, no conflicts (2 of 4 stars). 3 submissions from 3 submitters: Uncertain significance (3). Last evaluated 2025-10-26.

Conditions:
Hereditary cancer-predisposing syndrome. Also called: Tumor predisposition; Neoplastic Syndromes, Hereditary; Hereditary neoplastic syndrome; Hereditary Cancer Syndrome. Identifiers: Orphanet 140162, MedGen C0027672, MeSH D009386, MONDO:0015356.
Familial cancer of breast. Also called: hereditary breast carcinoma; BREAST CANCER, FAMILIAL; Hereditary breast cancer. Identifiers: Orphanet 227535, MedGen C0346153, MONDO:0016419, OMIM 114480. Disease mechanism: loss of function.

Allele frequency attached by ClinVar (database versions not stated): gnomAD exomes below 0.00001; TOPMed below 0.00001; gnomAD 0.00001.
gnomAD v4.1: 4 of 1,613,876 alleles (0.00025%); highest among the groups gnomAD compares: Non-Finnish European, 0.00034%; no homozygotes.

Submissions (3):

Labcorp Genetics (formerly Invitae), Labcorp
Classification: Uncertain significance for Familial cancer of breast. Last evaluated: 2025-10-26. Review status: criteria provided, single submitter. Criteria: Invitae Variant Classification Sherloc (09022015). Collection method: clinical testing. Allele origin: germline.
Comment: This sequence change replaces serine, which is neutral and polar, with phenylalanine, which is neutral and non-polar, at codon 390 of the PALB2 protein (p.Ser390Phe). This variant is not present in population databases (gnomAD no frequency). This variant has not been reported in the literature in individuals affected with PALB2-related conditions. ClinVar contains an entry for this variant (Variation ID: 630686). Invitae Evidence Modeling of protein sequence and biophysical properties (such as structural, functional, and spatial information, amino acid conservation, physicochemical variation, residue mobility, and thermodynamic stability) has been performed for this missense variant. However, the output from this modeling did not meet the statistical confidence thresholds required to predict the impact of this variant on PALB2 protein function. In summary, the available evidence is currently insufficient to determine the role of this variant in disease. Therefore, it has been classified as a Variant of Uncertain Significance.

Ambry Genetics
Classification: Uncertain significance for Hereditary cancer-predisposing syndrome. Last evaluated: 2024-04-22. Review status: criteria provided, single submitter. Criteria: Ambry Variant Classification Scheme 2023. Collection method: clinical testing. Allele origin: germline.
Comment: The p.S390F variant (also known as c.1169C>T), located in coding exon 4 of the PALB2 gene, results from a C to T substitution at nucleotide position 1169. The serine at codon 390 is replaced by phenylalanine, an amino acid with highly dissimilar properties. This amino acid position is conserved. In addition, this alteration is predicted to be tolerated by in silico analysis. Based on the available evidence, the clinical significance of this variant remains unclear.

Color Diagnostics, LLC DBA Color Health
Classification: Uncertain significance for Hereditary cancer-predisposing syndrome. Last evaluated: 2023-12-05. Review status: criteria provided, single submitter. Criteria: ACMG Guidelines, 2015. Collection method: clinical testing. Allele origin: germline.
Comment: This missense variant replaces serine with phenylalanine at codon 390 of the PALB2 protein. Computational prediction suggests that this variant may not impact protein structure and function (internally defined REVEL score threshold <= 0.5, PMID: 27666373). To our knowledge, functional studies have not been reported for this variant. This variant has not been reported in individuals affected with PALB2-related disorders in the literature. This variant has not been identified in the general population by the Genome Aggregation Database (gnomAD). The available evidence is insufficient to determine the role of this variant in disease conclusively. Therefore, this variant is classified as a Variant of Uncertain Significance.

NM_024675.4(PALB2):c.1169C>T (p.Ser390Phe)

Gene: PALB2 (partner and localizer of BRCA2; minus strand). Cytogenetic location: 16p12.2.
Variant type: single nucleotide variant.
Coding change: c.1169C>T on transcript NM_024675.4 (MANE Select); coding-DNA position 1169, C replaced by T.
Protein change: p.Ser390Phe; replaces serine 390 with phenylalanine.
Molecular consequence: missense variant.
Genome position (GRCh38, 1-based): chr16:23,635,377, G>A on the plus strand (C>T on the coding strand, the complement: PALB2 is on the minus strand). VCF-style: chr16-23635377-G-A. GRCh37 (hg19) VCF-style: chr16-23646698-G-A.
Other names: short protein forms S390F.
Identifiers: ClinVar variation 630686 (VCV000630686.14), dbSNP rs1555461425, ClinGen allele CA395133435.